The following is an entry in ClinVar:

NM_015627.3(LDLRAP1):c.137T>C (p.Met46Thr)

Gene: LDLRAP1 (low density lipoprotein receptor adaptor protein 1; plus strand). Cytogenetic location: 1p36.11.
Variant type: single nucleotide variant.
Coding change: c.137T>C on transcript NM_015627.3 (MANE Select); coding-DNA position 137, T replaced by C.
Protein change: p.Met46Thr; replaces methionine 46 with threonine.
Molecular consequence: missense variant.
Genome position (GRCh38, 1-based): chr1:25,553,970, T>C. VCF-style: chr1-25553970-T-C. GRCh37 (hg19) VCF-style: chr1-25880461-T-C.
Other names: short protein forms M46T.
Identifiers: ClinVar variation 3290416 (VCV003290416.1).
Genomic context (GRCh38, chr1:25,553,970, plus strand): 5'-GTGCTACCCCAGAGCTGCCTGAGAACTGGACAGACACGCGGGAGACGCTGCTGGAGGGGA[T>C]GCTGTTCAGCCTCAAGTACCTGGGCATGACGCTAGTGGAGCAGCCCAAGGGTGAGGAGCT-3'
Protein context (NP_056442.2, residues 36-56): TDTRETLLEG[Met46Thr]LFSLKYLGMT

ClinVar aggregate classification (germline): Uncertain significance (1 of 4 stars; one submission).

Conditions:
Cardiovascular phenotype. Identifiers: MedGen CN230736.

gnomAD v4.1: 7 of 1,614,058 alleles (0.00043%); highest among the groups gnomAD compares: South Asian, 0.0044%; no homozygotes.

Submission:

Ambry Genetics
Classification: Uncertain significance for Cardiovascular phenotype. Last evaluated: 2024-04-21. Review status: criteria provided, single submitter. Criteria: Ambry Variant Classification Scheme 2023. Collection method: clinical testing. Allele origin: germline.
Comment: The p.M46T variant (also known as c.137T>C), located in coding exon 2 of the LDLRAP1 gene, results from a T to C substitution at nucleotide position 137. The methionine at codon 46 is replaced by threonine, an amino acid with similar properties. This amino acid position is conserved. In addition, the in silico prediction for this alteration is inconclusive. Based on the available evidence, the clinical significance of this variant remains unclear.